The following is an entry in ClinVar:

NM_005141.5(FGB):c.10A>T (p.Met4Leu)

Gene: FGB (fibrinogen beta chain; plus strand). Cytogenetic location: 4q31.3.
Variant type: single nucleotide variant.
Coding change: c.10A>T on transcript NM_005141.5 (MANE Select); coding-DNA position 10, A replaced by T.
Protein change: p.Met4Leu; replaces methionine 4 with leucine.
Molecular consequence: missense variant.
Genome position (GRCh38, 1-based): chr4:154,563,028, A>T. VCF-style: chr4-154563028-A-T. GRCh37 (hg19) VCF-style: chr4-155484180-A-T.
Other names: c.10A>T, p.Met4Leu (NM_001382760.1, NM_001382761.1, NM_001382762.1 and 5 more transcripts); short protein forms M4L.
Identifiers: ClinVar variation 2999873 (VCV002999873.3), dbSNP rs767891657, ClinGen allele CA3114424.

ClinVar aggregate classification (germline): Uncertain significance (1 of 4 stars; one submission).

Allele frequency attached by ClinVar (database versions not stated): ExAC 0.00004; gnomAD 0.00006; TOPMed 0.00008; gnomAD exomes 0.00019.
gnomAD v4.1: 269 of 1,531,574 alleles (0.018%); highest among the groups gnomAD compares: Non-Finnish European, 0.023%; no homozygotes.

Submission:

Labcorp Genetics (formerly Invitae), Labcorp
Classification: Uncertain significance. Last evaluated: 2022-10-28. Review status: criteria provided, single submitter. Criteria: Invitae Variant Classification Sherloc (09022015). Collection method: clinical testing. Allele origin: germline.
Comment: In summary, the available evidence is currently insufficient to determine the role of this variant in disease. Therefore, it has been classified as a Variant of Uncertain Significance. This sequence change replaces methionine, which is neutral and non-polar, with leucine, which is neutral and non-polar, at codon 4 of the FGB protein (p.Met4Leu). This variant is present in population databases (rs767891657, gnomAD 0.01%). This variant has not been reported in the literature in individuals affected with FGB-related conditions. Algorithms developed to predict the effect of missense changes on protein structure and function output the following: SIFT: "Tolerated"; PolyPhen-2: "Benign"; Align-GVGD: "Class C0". The leucine amino acid residue is found in multiple mammalian species, which suggests that this missense change does not adversely affect protein function. Algorithms developed to predict the effect of sequence changes on RNA splicing suggest that this variant may disrupt the consensus splice site.